The following is an entry in ClinVar:

NM_001377142.1(PLCB4):c.504-6C>T

Gene: PLCB4 (phospholipase C beta 4; plus strand). Cytogenetic location: 20p12.2.
Variant type: single nucleotide variant.
Coding change: c.504-6C>T on transcript NM_001377142.1 (MANE Select); 6 bases into the intron before coding-DNA position 504, C replaced by T.
Molecular consequence: intron variant.
Genome position (GRCh38, 1-based): chr20:9,371,208, C>T. VCF-style: chr20-9371208-C-T. GRCh37 (hg19) VCF-style: chr20-9351855-C-T.
Other names: c.504-6C>T (NM_001377134.2, NM_000933.4, NM_182797.3 and 4 more transcripts).
Identifiers: ClinVar variation 339555 (VCV000339555.7), dbSNP rs184366128, ClinGen allele CA9760850.

ClinVar aggregate classification (germline): Benign/Likely benign. Review status: criteria provided, multiple submitters, no conflicts (2 of 4 stars). 3 submissions from 3 submitters: Benign (1); Likely benign (2). Last evaluated 2025-11-10.

Conditions:
Auriculocondylar syndrome 2 (ARCND2A). Also called: AURICULOCONDYLAR SYNDROME 2A. Identifiers: Orphanet 137888, MedGen C3553404, MONDO:0013845, OMIM 614669.
PLCB4-related disorder. Also called: PLCB4-related condition.

Allele frequency attached by ClinVar (database versions not stated): gnomAD 0.00009 and 0.00013; TOPMed 0.00013; ExAC 0.00029; gnomAD exomes 0.00034; 1000 Genomes Project 0.00140; 1000 Genomes Project 30x 0.00141.
gnomAD v4.1: 116 of 1,570,228 alleles (0.0074%); highest among the groups gnomAD compares: East Asian, 0.24%; no homozygotes.

Submissions (3):

PreventionGenetics, part of Exact Sciences
Classification: Likely benign for PLCB4-related condition. Last evaluated: 2025-11-10. Review status: criteria provided, single submitter. Criteria: ACMG Guidelines, 2015. Collection method: clinical testing. Allele origin: germline.
Comment: This variant is classified as likely benign based on ACMG/AMP sequence variant interpretation guidelines (Richards et al. 2015 PMID: 25741868, with internal and published modifications).

Blueprint Genetics
Classification: Likely benign. Last evaluated: 2024-09-10. Review status: criteria provided, single submitter. Criteria: ACMG Guidelines, 2015. Collection method: clinical testing. Allele origin: germline.

Illumina Laboratory Services, Illumina
Classification: Benign for Auriculocondylar syndrome 2. Last evaluated: 2018-01-13. Review status: criteria provided, single submitter. Criteria: ICSL Variant Classification Criteria 13 December 2019. Collection method: clinical testing. Allele origin: germline.
Comment: This variant was observed in the ICSL laboratory as part of a predisposition screen in an ostensibly healthy population. It had not been previously curated by ICSL or reported in the Human Gene Mutation Database (HGMD: prior to June 1st, 2018), and was therefore a candidate for classification through an automated scoring system. Utilizing variant allele frequency, disease prevalence and penetrance estimates, and inheritance mode, an automated score was calculated to assess if this variant is too frequent to cause the disease. Based on the score and internal cut-off values, a variant classified as benign is not then subjected to further curation. The score for this variant resulted in a classification of benign for this disease.